The following is an entry in ClinVar:

ClinVar aggregate classification (germline): Conflicting classifications of pathogenicity. Review status: criteria provided, conflicting classifications (1 of 4 stars). 6 submissions from 6 submitters: Uncertain significance (2); Likely benign (3). 1 of the submissions does not count toward it. Last evaluated 2026-01-21.

Conditions:
TERT-related disorder. Also called: TERT-related condition; TERT-related disorders.
Aplastic anemia. Identifiers: Orphanet 182040, Orphanet 88, MedGen C0002874, MONDO:0015909, OMIM 609135, HP:0001915.
Dyskeratosis congenita, autosomal dominant 2. Identifiers: MedGen C3151443, MONDO:0013521, OMIM 613989.
Dyskeratosis congenita, autosomal dominant 1 (DKCA1). Also called: Dyskeratosis congenita Scoggins type. Identifiers: Orphanet 1775, MedGen C4551974, MONDO:0007485, OMIM 127550. Inheritance: Variable.
Acute myeloid leukemia (AML). Also called: Leukemia, acute myeloid, somatic; Leukemia, acute myelogenous, somatic; Acute myeloid leukemia, adult; AML adult; Acute non-lymphocytic leukemia; Acute granulocytic leukemia. Identifiers: Orphanet 519, MedGen C0023467, MeSH D015470, MONDO:0018874, OMIM 601626, HP:0004808. Disease mechanism: Constitutively activated FLT3.
Pulmonary fibrosis and/or bone marrow failure, Telomere-related, 1. Also called: PULMONARY FIBROSIS AND/OR BONE MARROW FAILURE SYNDROME, TELOMERE-RELATED, 1. Identifiers: Orphanet 88, MedGen C3553617, MONDO:0013878, OMIM 614742.
Interstitial lung disease 2 (ILD2). Also called: FIBROCYSTIC PULMONARY DYSPLASIA; FIBROSING ALVEOLITIS, CRYPTOGENIC; Familial idiopathic pulmonary fibrosis. Identifiers: Orphanet 2032, Orphanet 79126, MedGen C5561926, MONDO:0800497, OMIM 178500, MONDO:0800029.
Melanoma, cutaneous malignant, susceptibility to, 9. Also called: Cutaneous malignant melanoma 9. Identifiers: Orphanet 618, MedGen C3554574, MONDO:0014056, OMIM 615134.
Idiopathic Pulmonary Fibrosis. Also called: Idiopathic fibrosing alveolitis, chronic form; idiopathic fibrosing alveolitis. Identifiers: Orphanet 2032, MedGen C1800706, MeSH D054990, MONDO:0800504.
Dyskeratosis congenita. Identifiers: Orphanet 1775, MedGen C0265965, MONDO:0015780.

Allele frequency attached by ClinVar (database versions not stated): gnomAD exomes 0.00001; TOPMed 0.00001; gnomAD 0.00003.
gnomAD v4.1: 17 of 1,463,368 alleles (0.0012%); highest among the groups gnomAD compares: Non-Finnish European, 0.0015%; no homozygotes.

Submissions (6):

Labcorp Genetics (formerly Invitae), Labcorp
Classification: Likely benign for Dyskeratosis congenita, autosomal dominant 2; Idiopathic Pulmonary Fibrosis. Last evaluated: 2026-01-21. Review status: criteria provided, single submitter. Criteria: Invitae Variant Classification Sherloc (09022015). Collection method: clinical testing. Allele origin: germline.

Blueprint Genetics
Classification: Likely benign. Last evaluated: 2024-07-05. Review status: criteria provided, single submitter. Criteria: ACMG Guidelines, 2015. Collection method: clinical testing. Allele origin: germline.

Ambry Genetics
Classification: Likely benign for Dyskeratosis congenita. Last evaluated: 2022-02-26. Review status: criteria provided, single submitter. Criteria: Ambry Variant Classification Scheme 2023. Collection method: clinical testing. Allele origin: germline.

Fulgent Genetics
Classification: Uncertain significance for Dyskeratosis congenita, autosomal dominant 1; Interstitial lung disease 2; Acute myeloid leukemia; Aplastic anemia; Dyskeratosis congenita, autosomal dominant 2; Pulmonary fibrosis and/or bone marrow failure, Telomere-related, 1; Melanoma, cutaneous malignant, susceptibility to, 9. Last evaluated: 2018-10-31. Review status: criteria provided, single submitter. Criteria: ACMG Guidelines, 2015. Collection method: clinical testing. Allele origin: unknown.

Eurofins Ntd Llc (ga)
Classification: Uncertain significance. Last evaluated: 2016-08-19. Review status: criteria provided, single submitter. Criteria: EGL Classification Definitions 2015. Collection method: clinical testing. Allele origin: germline. Observed: 1 variant allele, 1 heterozygote.

PreventionGenetics, part of Exact Sciences
Classification: Likely benign for TERT-related condition. Last evaluated: 2023-08-18. Review status: no assertion criteria provided. Collection method: clinical testing. Allele origin: germline. Not counted in ClinVar's aggregate classification.
Comment: This variant is classified as likely benign based on ACMG/AMP sequence variant interpretation guidelines (Richards et al. 2015 PMID: 25741868, with internal and published modifications).

NM_198253.3(TERT):c.150G>A (p.Leu50=)

Genes: TERT (telomerase reverse transcriptase; minus strand), LOC110806263 (TERT 5' regulatory region; plus strand). Cytogenetic location: 5p15.33.
Variant type: single nucleotide variant.
Coding change: c.150G>A on transcript NM_198253.3 (MANE Select); coding-DNA position 150, G replaced by A.
Protein change: p.Leu50=; no amino-acid change (leucine 50 retained).
Molecular consequence: synonymous variant. On other transcripts: non-coding transcript variant (2).
Genome position (GRCh38, 1-based): chr5:1,294,840, C>T on the plus strand (G>A on the coding strand, the complement: TERT is on the minus strand). VCF-style: chr5-1294840-C-T. GRCh37 (hg19) VCF-style: chr5-1294955-C-T.
Other names: c.150G>A, p.Leu50= (NM_001193376.3).
Identifiers: ClinVar variation 289326 (VCV000289326.19), dbSNP rs886044153, ClinGen allele CA10606413.